The following is an entry in ClinVar:

NM_032380.5(GFM2):c.542G>A (p.Arg181Lys)

Gene: GFM2 (GTP dependent ribosome recycling factor mitochondrial 2; minus strand). Cytogenetic location: 5q13.3.
Variant type: single nucleotide variant.
Coding change: c.542G>A on transcript NM_032380.5 (MANE Select); coding-DNA position 542, G replaced by A.
Protein change: p.Arg181Lys; replaces arginine 181 with lysine.
Molecular consequence: missense variant. On other transcripts: non-coding transcript variant (1).
Genome position (GRCh38, 1-based): chr5:74,747,758, C>T on the plus strand (G>A on the coding strand, the complement: GFM2 is on the minus strand). VCF-style: chr5-74747758-C-T. GRCh37 (hg19) VCF-style: chr5-74043583-C-T.
Other names: p.R181K:AGG>AAG; c.638G>A, p.Arg213Lys (NM_001281302.2); c.542G>A, p.Arg181Lys (NM_170681.3, NM_170691.3); short protein forms R181K, R213K.
Identifiers: ClinVar variation 214508 (VCV000214508.3), dbSNP rs150612355, ClinGen allele CA320030.

ClinVar aggregate classification (germline): Uncertain significance (1 of 4 stars; one submission).

Allele frequency attached by ClinVar (database versions not stated): TOPMed 0.00001 and 0.00002; gnomAD exomes below 0.00001; gnomAD 0.00001; ESP Exome Variant Server 0.00008.
gnomAD v4.1: 3 of 1,610,312 alleles (0.00019%); highest among the groups gnomAD compares: African/African-American, 0.0027%; no homozygotes.

Submission:

GeneDx
Classification: Uncertain significance. Last evaluated: 2022-12-08. Review status: criteria provided, single submitter. Criteria: GeneDx Variant Classification Process June 2021. Collection method: clinical testing. Allele origin: germline. Affected: yes.
Comment: Not observed at significant frequency in large population cohorts (gnomAD); In silico analysis supports that this missense variant has a deleterious effect on protein structure/function; Has not been previously published as pathogenic or benign to our knowledge